The following is an entry in ClinVar:

NM_002335.4(LRP5):c.4000+7C>G

Gene: LRP5 (LDL receptor related protein 5; plus strand). Cytogenetic location: 11q13.2.
Variant type: single nucleotide variant.
Coding change: c.4000+7C>G on transcript NM_002335.4 (MANE Select); 7 bases into the intron after coding-DNA position 4000, C replaced by G.
Molecular consequence: intron variant.
Genome position (GRCh38, 1-based): chr11:68,433,845, C>G. VCF-style: chr11-68433845-C-G. GRCh37 (hg19) VCF-style: chr11-68201313-C-G.
Other names: c.2257+7C>G (NM_001291902.2).
Identifiers: ClinVar variation 3053574 (VCV003053574.2), dbSNP rs756051864, ClinGen allele CA6150183.
Genomic context (GRCh38, chr11:68,433,845, plus strand): 5'-GCTGCGACGGCGAGGCAGACTGTCAGGACCGCTCAGACGAGGCGGACTGTGACGGTGAGG[C>G]CCTCCCCGTCAAGGCTCTGCCAAGACCCTGGCCCTGCCCTCCGGGATACGAGCTTGGGGC-3'

ClinVar aggregate classification (germline): Likely benign (0 of 4 stars; one submission).

Conditions:
LRP5-related disorder. Also called: LRP5-related condition.

Allele frequency attached by ClinVar (database versions not stated): ExAC 0.00001.

Submission:

PreventionGenetics, part of Exact Sciences
Classification: Likely benign for LRP5-related condition. Last evaluated: 2020-08-21. Review status: no assertion criteria provided. Collection method: clinical testing. Allele origin: germline.
Comment: This variant is classified as likely benign based on ACMG/AMP sequence variant interpretation guidelines (Richards et al. 2015 PMID: 25741868, with internal and published modifications).